The following is an entry in ClinVar:

NM_001244008.2(KIF1A):c.1829G>A (p.Arg610Gln)

Gene: KIF1A (kinesin family member 1A; minus strand). Cytogenetic location: 2q37.3.
Variant type: single nucleotide variant.
Coding change: c.1829G>A on transcript NM_001244008.2 (MANE Select); coding-DNA position 1829, G replaced by A.
Protein change: p.Arg610Gln; replaces arginine 610 with glutamine.
Molecular consequence: missense variant.
Genome position (GRCh38, 1-based): chr2:240,763,286, C>T on the plus strand (G>A on the coding strand, the complement: KIF1A is on the minus strand). VCF-style: chr2-240763286-C-T. GRCh37 (hg19) VCF-style: chr2-241702703-C-T.
Other names: c.1829G>A, p.Arg610Gln (NM_001320705.2, NM_001330289.2, NM_001379638.1); c.1904G>A, p.Arg635Gln (NM_001330290.2, NM_001379631.1, NM_001379634.1 and 2 more transcripts); c.1802G>A, p.Arg601Gln (NM_001379632.1, NM_001379633.1, NM_001379636.1 and 11 more transcripts); c.1877G>A, p.Arg626Gln (NM_001379637.1, NM_001379648.1); short protein forms R626Q, R601Q, R610Q, R635Q.
Identifiers: ClinVar variation 1780903 (VCV001780903.5), dbSNP rs2537672386, ClinGen allele CA351327189.

ClinVar aggregate classification (germline): Uncertain significance. Review status: criteria provided, multiple submitters, no conflicts (2 of 4 stars). 3 submissions from 3 submitters: Uncertain significance (3). Last evaluated 2025-12-23.

Conditions:
Inborn genetic diseases. Identifiers: MedGen C0950123, MeSH D030342.
Hereditary spastic paraplegia 30. Identifiers: Orphanet 101010, MedGen C5235139, MONDO:0012476.
Neuropathy, hereditary sensory, type 2C. Also called: Hereditary sensory and autonomic neuropathy type IIC; KIF1A-Related HSAN2 (HSAN2C). Identifiers: Orphanet 970, MedGen C3280168, MONDO:0013634, OMIM 614213.
Intellectual disability, autosomal dominant 9 (NESCAVS). Also called: NESCAV SYNDROME; KIF1A-Related Neurodevelopmental Disorder. Identifiers: Orphanet 662367, MedGen C5393830, MONDO:0013656, OMIM 614255.

Allele frequency attached by ClinVar (database versions not stated): gnomAD exomes below 0.00001.
gnomAD v4.1: 1 of 1,605,390 alleles (0.000062%); highest among the groups gnomAD compares: Non-Finnish European, 0.000085%; no homozygotes.

Submissions (3):

Women's Health and Genetics/Laboratory Corporation of America, LabCorp
Classification: Uncertain significance. Last evaluated: 2025-12-23. Review status: criteria provided, single submitter. Criteria: LabCorp Variant Classification Summary - May 2015. Collection method: clinical testing. Allele origin: germline.
Comment: Variant summary: KIF1A c.1802G>A (p.Arg601Gln) results in a conservative amino acid change in the encoded protein sequence. Algorithms developed to predict the effect of missense changes on protein structure and function are either unavailable or do not agree on the potential impact of this missense change. The variant was absent in 229368 control chromosomes. The available data on variant occurrences in the general population are insufficient to allow any conclusion about variant significance. To our knowledge, no occurrence of c.1802G>A in individuals affected with KIF1A-related conditions and no experimental evidence demonstrating its impact on protein function have been reported. ClinVar contains an entry for this variant (Variation ID: 1780903). Based on the evidence outlined above, the variant was classified as uncertain significance.

Labcorp Genetics (formerly Invitae), Labcorp
Classification: Uncertain significance for Hereditary spastic paraplegia 30; Neuropathy, hereditary sensory, type 2C; Intellectual disability, autosomal dominant 9. Last evaluated: 2025-06-01. Review status: criteria provided, single submitter. Criteria: Invitae Variant Classification Sherloc (09022015). Collection method: clinical testing. Allele origin: germline.
Comment: This sequence change replaces arginine, which is basic and polar, with glutamine, which is neutral and polar, at codon 601 of the KIF1A protein (p.Arg601Gln). This variant is not present in population databases (gnomAD no frequency). This variant has not been reported in the literature in individuals affected with KIF1A-related conditions. ClinVar contains an entry for this variant (Variation ID: 1780903). Invitae Evidence Modeling of protein sequence and biophysical properties (such as structural, functional, and spatial information, amino acid conservation, physicochemical variation, residue mobility, and thermodynamic stability) indicates that this missense variant is expected to disrupt KIF1A protein function with a positive predictive value of 80%. In summary, the available evidence is currently insufficient to determine the role of this variant in disease. Therefore, it has been classified as a Variant of Uncertain Significance.

Ambry Genetics
Classification: Uncertain significance for Inborn genetic diseases. Last evaluated: 2020-03-20. Review status: criteria provided, single submitter. Criteria: Ambry Variant Classification Scheme 2023. Collection method: clinical testing. Allele origin: germline.
Comment: The p.R610Q variant (also known as c.1829G>A), located in coding exon 20 of the KIF1A gene, results from a G to A substitution at nucleotide position 1829. The arginine at codon 610 is replaced by glutamine, an amino acid with highly similar properties. This amino acid position is highly conserved in available vertebrate species. In addition, the in silico prediction for this alteration is inconclusive. Since supporting evidence is limited at this time, the clinical significance of this alteration remains unclear.